The following is an entry in ClinVar:

ClinVar aggregate classification (germline): Likely benign (0 of 4 stars; one submission).

Conditions:
PLXNA2-related disorder. Also called: PLXNA2-related condition.

Submission:

PreventionGenetics, part of Exact Sciences
Classification: Likely benign for PLXNA2-related condition. Last evaluated: 2024-05-31. Review status: no assertion criteria provided. Collection method: clinical testing. Allele origin: germline.
Comment: This variant is classified as likely benign based on ACMG/AMP sequence variant interpretation guidelines (Richards et al. 2015 PMID: 25741868, with internal and published modifications).

NM_025179.4(PLXNA2):c.2640C>T (p.Gly880=)

Gene: PLXNA2 (plexin A2; minus strand). Cytogenetic location: 1q32.2.
Variant type: single nucleotide variant.
Coding change: c.2640C>T on transcript NM_025179.4 (MANE Select); coding-DNA position 2640, C replaced by T.
Protein change: p.Gly880=; no amino-acid change (glycine 880 retained).
Molecular consequence: synonymous variant.
Genome position (GRCh38, 1-based): chr1:208,060,784, G>A on the plus strand (C>T on the coding strand, the complement: PLXNA2 is on the minus strand). VCF-style: chr1-208060784-G-A. GRCh37 (hg19) VCF-style: chr1-208234129-G-A.
Identifiers: ClinVar variation 3356850 (VCV003356850.1).